The following is an entry in ClinVar:

NM_198525.3(KIF7):c.869G>A (p.Gly290Glu)

Gene: KIF7 (kinesin family member 7; minus strand). Cytogenetic location: 15q26.1.
Variant type: single nucleotide variant.
Coding change: c.869G>A on transcript NM_198525.3 (MANE Select); coding-DNA position 869, G replaced by A.
Protein change: p.Gly290Glu; replaces glycine 290 with glutamic acid.
Molecular consequence: missense variant.
Genome position (GRCh38, 1-based): chr15:89,649,028, C>T on the plus strand (G>A on the coding strand, the complement: KIF7 is on the minus strand). VCF-style: chr15-89649028-C-T. GRCh37 (hg19) VCF-style: chr15-90192259-C-T.
Other names: c.869G>A (NM_198525.2); short protein forms G290E.
Identifiers: ClinVar variation 1425997 (VCV001425997.8), dbSNP rs531693490, ClinGen allele CA7728604.

ClinVar aggregate classification (germline): Uncertain significance. Review status: criteria provided, multiple submitters, no conflicts (2 of 4 stars). 3 submissions from 3 submitters: Uncertain significance (3). Last evaluated 2024-10-25.

Conditions:
Inborn genetic diseases. Identifiers: MedGen C0950123, MeSH D030342.
Acrocallosal syndrome (ACLS). Also called: HALLUX DUPLICATION, POSTAXIAL POLYDACTYLY, AND ABSENCE OF CORPUS CALLOSUM; Schinzel syndrome 1; Absence of corpus callosum with unusual facial appearance, mental deficiency, duplication of the halluces and polydactyly. Identifiers: Orphanet 36, MedGen C0796147, MONDO:0008708, OMIM 200990.
Hydrolethalus syndrome 2 (HLS2). Identifiers: Orphanet 2189, MedGen C3279899, MONDO:0013585, OMIM 614120.
Multiple epiphyseal dysplasia, Al-Gazali type. Also called: Macrocephaly with multiple epiphyseal dysplasia and distinctive facies. Identifiers: Orphanet 166024, MedGen C1846722, MONDO:0011778, OMIM 607131.

Allele frequency attached by ClinVar (database versions not stated): gnomAD 0.00001 and 0.00002; gnomAD exomes 0.00001; TOPMed 0.00004; ExAC 0.00007; 1000 Genomes Project 30x 0.00016; 1000 Genomes Project 0.00020.

Submissions (3):

Labcorp Genetics (formerly Invitae), Labcorp
Classification: Uncertain significance for Acrocallosal syndrome. Last evaluated: 2024-10-25. Review status: criteria provided, single submitter. Criteria: Invitae Variant Classification Sherloc (09022015). Collection method: clinical testing. Allele origin: germline.
Comment: This sequence change replaces glycine, which is neutral and non-polar, with glutamic acid, which is acidic and polar, at codon 290 of the KIF7 protein (p.Gly290Glu). This variant is present in population databases (rs531693490, gnomAD 0.03%). This variant has not been reported in the literature in individuals affected with KIF7-related conditions. ClinVar contains an entry for this variant (Variation ID: 1425997). Invitae Evidence Modeling of protein sequence and biophysical properties (such as structural, functional, and spatial information, amino acid conservation, physicochemical variation, residue mobility, and thermodynamic stability) has been performed for this missense variant. However, the output from this modeling did not meet the statistical confidence thresholds required to predict the impact of this variant on KIF7 protein function. In summary, the available evidence is currently insufficient to determine the role of this variant in disease. Therefore, it has been classified as a Variant of Uncertain Significance.

Ambry Genetics
Classification: Uncertain significance for Inborn genetic diseases. Last evaluated: 2024-07-26. Review status: criteria provided, single submitter. Criteria: Ambry Variant Classification Scheme 2023. Collection method: clinical testing. Allele origin: germline.

Fulgent Genetics
Classification: Uncertain significance for Acrocallosal syndrome; Multiple epiphyseal dysplasia, Al-Gazali type; Hydrolethalus syndrome 2. Last evaluated: 2024-04-22. Review status: criteria provided, single submitter. Criteria: ACMG Guidelines, 2015. Collection method: clinical testing. Allele origin: germline.